The following is an entry in ClinVar:

ClinVar aggregate classification (germline): Benign (0 of 4 stars; one submission).

Conditions:
AAGAB-related disorder. Also called: AAGAB-related condition.

Allele frequency attached by ClinVar (database versions not stated): ExAC 0.00139; ESP Exome Variant Server 0.00194; gnomAD 0.00380; 1000 Genomes Project 30x 0.00796; 1000 Genomes Project 0.00799.
gnomAD v4.1: 1,248 of 1,580,928 alleles (0.079%); highest among the groups gnomAD compares: African/African-American, 1.4%; 6 homozygotes.

Submission:

PreventionGenetics, part of Exact Sciences
Classification: Benign for AAGAB-related condition. Last evaluated: 2019-03-22. Review status: no assertion criteria provided. Collection method: clinical testing. Allele origin: germline.
Comment: This variant is classified as benign based on ACMG/AMP sequence variant interpretation guidelines (Richards et al. 2015 PMID: 25741868, with internal and published modifications).

NM_024666.5(AAGAB):c.-10G>A

Genes: AAGAB (alpha and gamma adaptin binding protein; minus strand), LOC130057363 (ATAC-STARR-seq lymphoblastoid active region 9628; plus strand). Cytogenetic location: 15q23.
Variant type: single nucleotide variant.
Coding change: c.-10G>A on transcript NM_024666.5 (MANE Select); 10 bases upstream of the start codon, G replaced by A.
Molecular consequence: 5 prime UTR variant. On other transcripts: intron variant (1).
Genome position (GRCh38, 1-based): chr15:67,254,641, C>T on the plus strand (G>A on the coding strand, the complement: AAGAB is on the minus strand). VCF-style: chr15-67254641-C-T. GRCh37 (hg19) VCF-style: chr15-67546979-C-T.
Other names: c.-482G>A (NM_001271886.2); c.-255+496G>A (NM_001271885.2).
Identifiers: ClinVar variation 3033668 (VCV003033668.2), dbSNP rs115599985, ClinGen allele CA7627283.
Genomic context (GRCh38, chr15:67,254,641, plus strand): 5'-GAAGACGGAGGAGCAGCTGGTGACTAACGCACAGGGTACGCCAGCAGCCATAGCTGCGCT[C>T]GCGAGCCGGTTCCGTCAGGCAGCCGCTTCCGCCTTGGGCTGCACCACGGCCGCCGGCGCG-3'